The following is an entry in ClinVar:

ClinVar aggregate classification (germline): Uncertain significance. Review status: criteria provided, multiple submitters, no conflicts (2 of 4 stars). 2 submissions from 2 submitters: Uncertain significance (2). Last evaluated 2021-07-14.

Allele frequency attached by ClinVar (database versions not stated): TOPMed below 0.00001; gnomAD exomes 0.00003.
gnomAD v4.1: 41 of 1,614,078 alleles (0.0025%); highest among the groups gnomAD compares: Non-Finnish European, 0.0031%; no homozygotes.

Submissions (2):

Ambry Genetics
Classification: Uncertain significance. Last evaluated: 2021-07-14. Review status: criteria provided, single submitter. Criteria: Ambry Variant Classification Scheme 2023. Collection method: clinical testing. Allele origin: germline.

Illumina Laboratory Services, Illumina
Classification: Uncertain significance. Last evaluated: 2018-11-19. Review status: criteria provided, single submitter. Criteria: ICSLVariantClassificationCriteria RUGD 01 April 2020. Collection method: clinical testing. Allele origin: unknown.
Comment: The PRSS12 c.1435G>A (p.Glu479Lys) variant is a missense variant. A literature search was performed for the gene, cDNA change, and amino acid change. No publications were found based on this search. This variant is reported at a frequency of 0.000009 in the European (non-Finnish) population of the Genome Aggregation Database though this is based on a single occurrence in a region of good sequence coverage, which suggests variant is rare. Based on the available evidence, the p.Glu479Lys variant is classified as a variant of uncertain significance.

NM_003619.4(PRSS12):c.1435G>A (p.Glu479Lys)

Gene: PRSS12 (serine protease 12; minus strand). Cytogenetic location: 4q26.
Variant type: single nucleotide variant.
Coding change: c.1435G>A on transcript NM_003619.4 (MANE Select); coding-DNA position 1435, G replaced by A.
Protein change: p.Glu479Lys; replaces glutamic acid 479 with lysine.
Molecular consequence: missense variant.
Genome position (GRCh38, 1-based): chr4:118,313,255, C>T on the plus strand (G>A on the coding strand, the complement: PRSS12 is on the minus strand). VCF-style: chr4-118313255-C-T. GRCh37 (hg19) VCF-style: chr4-119234410-C-T.
Other names: c.1435G>A (NM_003619.3); short protein forms E479K.
Identifiers: ClinVar variation 1299460 (VCV001299460.6), dbSNP rs759717315, ClinGen allele CA104681972.